The following is an entry in ClinVar:

NM_015275.3(WASHC4):c.1358T>C (p.Ile453Thr)

Gene: WASHC4 (WASH complex subunit 4; plus strand). Cytogenetic location: 12q23.3.
Variant type: single nucleotide variant.
Coding change: c.1358T>C on transcript NM_015275.3 (MANE Select); coding-DNA position 1358, T replaced by C.
Protein change: p.Ile453Thr; replaces isoleucine 453 with threonine.
Molecular consequence: missense variant.
Genome position (GRCh38, 1-based): chr12:105,137,917, T>C. VCF-style: chr12-105137917-T-C. GRCh37 (hg19) VCF-style: chr12-105531695-T-C.
Other names: c.1361T>C, p.Ile454Thr (NM_001293640.2); short protein forms I453T, I454T.
Identifiers: ClinVar variation 1308927 (VCV001308927.2), dbSNP rs773383680, ClinGen allele CA6758596.
Genomic context (GRCh38, chr12:105,137,917, plus strand): 5'-GTGATTATAATCAATGTTTTCCTTTACAGGGCTTCTTGTATGCATATAGTATTAGTACCA[T>C]TATTAAAACCACAATGAATCTCTACATGTCCATGCAAAAGCCAATGACCAAAACCTCAGT-3'
Protein context (NP_056090.1, residues 443-463): GFLYAYSIST[Ile453Thr]IKTTMNLYMS

ClinVar aggregate classification (germline): Uncertain significance (1 of 4 stars; one submission).

Allele frequency attached by ClinVar (database versions not stated): ExAC 0.00001; gnomAD 0.00001; gnomAD exomes 0.00002; TOPMed 0.00003.
gnomAD v4.1: 34 of 1,610,242 alleles (0.0021%); highest among the groups gnomAD compares: Middle Eastern, 0.033%; no homozygotes.

Submission:

GeneDx
Classification: Uncertain significance. Last evaluated: 2019-10-09. Review status: criteria provided, single submitter. Criteria: GeneDx Variant Classification Process June 2021. Collection method: clinical testing. Allele origin: germline. Affected: yes.
Comment: In silico analysis, which includes protein predictors and evolutionary conservation, supports that this variant does not alter protein structure/function; Has not been previously published as pathogenic or benign to our knowledge; Variants in candidate genes are classified as variants of uncertain significance in accordance with ACMG guidelines (Richards et al., 2015)